The following is an entry in ClinVar:

ClinVar aggregate classification (germline): Pathogenic (1 of 4 stars; one submission).

Submission:

Labcorp Genetics (formerly Invitae), Labcorp
Classification: Pathogenic. Last evaluated: 2022-10-13. Review status: criteria provided, single submitter. Criteria: Invitae Variant Classification Sherloc (09022015). Collection method: clinical testing. Allele origin: germline.
Comment: For these reasons, this variant has been classified as Pathogenic. This variant has not been reported in the literature in individuals affected with LAMC2-related conditions. This variant is not present in population databases (gnomAD no frequency). This sequence change creates a premature translational stop signal (p.Val855Aspfs*9) in the LAMC2 gene. It is expected to result in an absent or disrupted protein product. Loss-of-function variants in LAMC2 are known to be pathogenic (PMID: 11907499, 16473856).

Literature cited by the submitters: PubMed 11907499; PubMed 16473856.

NM_005562.3(LAMC2):c.2563_2564insA (p.Val855fs)

Gene: LAMC2 (laminin subunit gamma 2; plus strand). Cytogenetic location: 1q25.3.
Variant type: Insertion.
Coding change: c.2563_2564insA on transcript NM_005562.3 (MANE Select); coding-DNA positions 2563 to 2564, A inserted.
Protein change: p.Val855fs; shifts the reading frame from valine 855.
Molecular consequence: frameshift variant.
Genome position: GRCh38 VCF-style: chr1-183236566-G-GA. GRCh37 (hg19) VCF-style: chr1-183205701-G-GA.
Other names: c.2563_2564insA, p.Val855fs (NM_018891.3); short protein forms V855fs.
Identifiers: ClinVar variation 2035473 (VCV002035473.4), dbSNP rs2526113347, ClinGen allele CA2580061610.
Genomic context (GRCh38, chr1:183,236,566, plus strand): 5'-ACTCAAGCGGAAATTGAAGCAGATAGGTCTTATCAGCACAGTCTCCGCCTCCTGGATTCA[G>GA]TGTCTCGGCTTCAGGGAGTCAGTGATCAGTCCTTTCAGGTGAGGGCATCTGGCCTGTGTG-3'